The following is an entry in ClinVar:

ClinVar aggregate classification (germline): Uncertain significance (1 of 4 stars; one submission).

Submission:

Labcorp Genetics (formerly Invitae), Labcorp
Classification: Uncertain significance. Last evaluated: 2022-03-20. Review status: criteria provided, single submitter. Criteria: Invitae Variant Classification Sherloc (09022015). Collection method: clinical testing. Allele origin: germline.
Comment: In summary, the available evidence is currently insufficient to determine the role of this variant in disease. Therefore, it has been classified as a Variant of Uncertain Significance. Algorithms developed to predict the effect of missense changes on protein structure and function are either unavailable or do not agree on the potential impact of this missense change (SIFT: "Not Available"; PolyPhen-2: "Possibly Damaging"; Align-GVGD: "Not Available"). This variant has not been reported in the literature in individuals affected with PIK3C2A-related conditions. This variant is not present in population databases (gnomAD no frequency). This sequence change replaces glutamine, which is neutral and polar, with histidine, which is basic and polar, at codon 515 of the PIK3C2A protein (p.Gln515His).

NM_002645.4(PIK3C2A):c.1545A>C (p.Gln515His)

Gene: PIK3C2A (phosphatidylinositol-4-phosphate 3-kinase catalytic subunit type 2 alpha; minus strand). Cytogenetic location: 11p15.1.
Variant type: single nucleotide variant.
Coding change: c.1545A>C on transcript NM_002645.4 (MANE Select); coding-DNA position 1545, A replaced by C.
Protein change: p.Gln515His; replaces glutamine 515 with histidine.
Molecular consequence: missense variant.
Genome position (GRCh38, 1-based): chr11:17,147,532, T>G on the plus strand (A>C on the coding strand, the complement: PIK3C2A is on the minus strand). VCF-style: chr11-17147532-T-G. GRCh37 (hg19) VCF-style: chr11-17169079-T-G.
Other names: c.1545A>C, p.Gln515His (NM_001321378.2, NM_001386870.1); c.405A>C, p.Gln135His (NM_001321380.2); short protein forms Q135H, Q515H.
Identifiers: ClinVar variation 2115166 (VCV002115166.4), dbSNP rs1850279799, ClinGen allele CA379766084.
Genomic context (GRCh38, chr11:17,147,532, plus strand): 5'-TTCAGATTCAAACAAATGGAATTCAGTTATGAGGTACACACTTACTGTTCGGGCCAGATT[T>G]TGACACATTGCACTGAAGGTCAAGAGTTGTAGTCTAATTTCTGTGTCCCATTTTCGACAG-3'
Protein context (NP_002636.2, residues 505-525): LQLLTFSAMC[Gln515His]NLARTAEDDE